The following is an entry in ClinVar:

ClinVar aggregate classification (germline): Likely benign. Review status: criteria provided, multiple submitters, no conflicts (2 of 4 stars). 3 submissions from 3 submitters: Likely benign (2). 1 of the submissions does not count toward it. Last evaluated 2025-09-14.

Conditions:
POLE-related disorder. Also called: POLE-related condition; POLE-related disorders.

Allele frequency attached by ClinVar (database versions not stated): TOPMed 0.00003.
gnomAD v4.1: 10 of 1,531,998 alleles (0.00065%); highest among the groups gnomAD compares: African/African-American, 0.014%; no homozygotes.

Submissions (3):

Labcorp Genetics (formerly Invitae), Labcorp
Classification: Likely benign. Last evaluated: 2025-09-14. Review status: criteria provided, single submitter. Criteria: Invitae Variant Classification Sherloc (09022015). Collection method: clinical testing. Allele origin: germline.

GeneDx
Classification: Likely benign. Last evaluated: 2017-05-17. Review status: criteria provided, single submitter. Criteria: GeneDx Variant Classification (06012015). Collection method: clinical testing. Allele origin: germline. Affected: yes.
Comment: This variant is considered likely benign or benign based on one or more of the following criteria: it is a conservative change, it occurs at a poorly conserved position in the protein, it is predicted to be benign by multiple in silico algorithms, and/or has population frequency not consistent with disease.

PreventionGenetics, part of Exact Sciences
Classification: Likely benign for POLE-related condition. Last evaluated: 2019-08-09. Review status: no assertion criteria provided. Collection method: clinical testing. Allele origin: germline. Not counted in ClinVar's aggregate classification.
Comment: This variant is classified as likely benign based on ACMG/AMP sequence variant interpretation guidelines (Richards et al. 2015 PMID: 25741868, with internal and published modifications).

NM_006231.4(POLE):c.5173+10C>G

Gene: POLE (DNA polymerase epsilon, catalytic subunit; minus strand). Cytogenetic location: 12q24.33.
Variant type: single nucleotide variant.
Coding change: c.5173+10C>G on transcript NM_006231.4 (MANE Select); 10 bases into the intron after coding-DNA position 5173, C replaced by G.
Molecular consequence: intron variant.
Genome position (GRCh38, 1-based): chr12:132,642,167, G>C on the plus strand (C>G on the coding strand, the complement: POLE is on the minus strand). VCF-style: chr12-132642167-G-C. GRCh37 (hg19) VCF-style: chr12-133218753-G-C.
Identifiers: ClinVar variation 509604 (VCV000509604.13), dbSNP rs371098994, ClinGen allele CA658798019.